The following is an entry in ClinVar:

ClinVar aggregate classification (germline): Uncertain significance (1 of 4 stars; one submission).

Conditions:
Hereditary cancer-predisposing syndrome. Also called: Neoplastic Syndromes, Hereditary; Tumor predisposition; Hereditary Cancer Syndrome; Hereditary neoplastic syndrome. Identifiers: Orphanet 140162, MedGen C0027672, MeSH D009386, MONDO:0015356.

Submission:

Ambry Genetics
Classification: Uncertain significance for Hereditary cancer-predisposing syndrome. Last evaluated: 2019-12-10. Review status: criteria provided, single submitter. Criteria: Ambry Variant Classification Scheme 2023. Collection method: clinical testing. Allele origin: germline.
Comment: The p.P536R variant (also known as c.1607C>G), located in coding exon 14 of the CHEK2 gene, results from a C to G substitution at nucleotide position 1607. The proline at codon 536 is replaced by arginine, an amino acid with dissimilar properties. This amino acid position is poorly conserved in available vertebrate species. In addition, this alteration is predicted to be tolerated by in silico analysis. Since supporting evidence is limited at this time, the clinical significance of this alteration remains unclear.

NM_007194.4(CHEK2):c.1607C>G (p.Pro536Arg)

Gene: CHEK2 (checkpoint kinase 2; minus strand). Cytogenetic location: 22q12.1.
Variant type: single nucleotide variant.
Coding change: c.1607C>G on transcript NM_007194.4 (MANE Select); coding-DNA position 1607, C replaced by G.
Protein change: p.Pro536Arg; replaces proline 536 with arginine.
Molecular consequence: missense variant.
Genome position (GRCh38, 1-based): chr22:28,687,922, G>C on the plus strand (C>G on the coding strand, the complement: CHEK2 is on the minus strand). VCF-style: chr22-28687922-G-C. GRCh37 (hg19) VCF-style: chr22-29083910-G-C.
Other names: c.1736C>G, p.Pro579Arg (NM_001005735.3); c.944C>G, p.Pro315Arg (NM_001257387.3); c.1406C>G, p.Pro469Arg (NM_001349956.3); c.1520C>G, p.Pro507Arg (NM_145862.3); short protein forms P536R, P469R, P315R, P507R, P579R.
Identifiers: ClinVar variation 819634 (VCV000819634.4), dbSNP rs1601697447, ClinGen allele CA411091032.
Genomic context (GRCh38, chr22:28,687,922, plus strand): 5'-GAAGGTACATTTCTTTCGTGTTCAAACCACGGAGTTCACAACACAGCAGCACACACAGCT[G>C]GGCGCTTTGTGGTCTCGGCACCCTCGGCTTCCCCTTCACGGGGCCGCTTTCGACTAGTAG-3'
Protein context (NP_009125.1, residues 526-543): EAEGAETTKR[Pro536Arg]AVCAAVL